The following is an entry in ClinVar:

NM_000632.4(ITGAM):c.989AGA[1] (p.Lys331del)

Gene: ITGAM (integrin subunit alpha M; plus strand). Cytogenetic location: 16p11.2.
Variant type: Microsatellite.
Coding change: c.989AGA[1] on transcript NM_000632.4 (MANE Select); one copy of the 3-base unit AGA starting at c.989; the reference has two copies in a row; one copy, 3 bases deleted.
Protein change: p.Lys331del; deletes lysine 331.
Molecular consequence: inframe deletion.
Genome position (GRCh38, 1-based): chr16:31,275,682-31,275,684, AGA deleted; deleting any 3 consecutive bases within chr16:31,275,679-31,275,684 gives the same sequence; the position shown is the placement nearest the transcript's 3' end. VCF-style (leftmost placement, unchanged base first): chr16-31275678-GAGA-G. GRCh37 (hg19) VCF-style: chr16-31286999-GAGA-G.
Other names: c.989AGA[1], p.Lys331del (NM_001145808.2); short protein forms K331del.
Identifiers: ClinVar variation 1443803 (VCV001443803.8), dbSNP rs750537448, ClinGen allele CA8025395.

ClinVar aggregate classification (germline): Uncertain significance (1 of 4 stars; one submission).

Submission:

Labcorp Genetics (formerly Invitae), Labcorp
Classification: Uncertain significance. Last evaluated: 2021-03-28. Review status: criteria provided, single submitter. Criteria: Invitae Variant Classification Sherloc (09022015). Collection method: clinical testing. Allele origin: germline.
Comment: This variant has not been reported in the literature in individuals with ITGAM-related conditions. This variant is present in population databases (rs750537448, ExAC 0.02%). In summary, the available evidence is currently insufficient to determine the role of this variant in disease. Therefore, it has been classified as a Variant of Uncertain Significance. Experimental studies and prediction algorithms are not available or were not evaluated, and the functional significance of this variant is currently unknown. This variant, c.992_994del, results in the deletion of 1 amino acid(s) of the ITGAM protein (p.Lys331del), but otherwise preserves the integrity of the reading frame.